The following is an entry in ClinVar:

NM_000548.5(TSC2):c.1930T>G (p.Cys644Gly)

Gene: TSC2 (TSC complex subunit 2; plus strand). Cytogenetic location: 16p13.3.
Variant type: single nucleotide variant.
Coding change: c.1930T>G on transcript NM_000548.5 (MANE Select); coding-DNA position 1930, T replaced by G.
Protein change: p.Cys644Gly; replaces cysteine 644 with glycine.
Molecular consequence: missense variant.
Genome position (GRCh38, 1-based): chr16:2,071,600, T>G. VCF-style: chr16-2071600-T-G. GRCh37 (hg19) VCF-style: chr16-2121601-T-G.
Other names: c.1930T>G, p.Cys644Gly (NM_001077183.3, NM_001114382.3, NM_001363528.2 and 3 more transcripts); c.1819T>G, p.Cys607Gly (NM_001318827.2); c.1783T>G, p.Cys595Gly (NM_001318829.2); c.1330T>G, p.Cys444Gly (NM_001318831.2); c.1963T>G, p.Cys655Gly (NM_001318832.2); short protein forms C644G, C444G, C655G, C595G, C607G.
Identifiers: ClinVar variation 571007 (VCV000571007.11), dbSNP rs1567462577, ClinGen allele CA394273325.
Genomic context (GRCh38, chr16:2,071,600, plus strand): 5'-GACTCACTGCACCGCCTGGGCCTGCCCAACAAGGATGGAGTCGTGCGGTTCAGCCCCTAC[T>G]GCGTCTGCGACTACATGTACGCGGGACCTCGCCCACGGCCCATGAGGCTCAGGGCGTCAG-3'
Protein context (NP_000539.2, residues 634-654): KDGVVRFSPY[Cys644Gly]VCDYMEPERG

ClinVar aggregate classification (germline): Conflicting classifications of pathogenicity. Review status: criteria provided, conflicting classifications (1 of 4 stars). 3 submissions from 3 submitters: Likely pathogenic (1); Uncertain significance (1); Benign (1). Last evaluated 2025-08-11.

Conditions:
Hereditary cancer-predisposing syndrome. Also called: Hereditary neoplastic syndrome; Neoplastic Syndromes, Hereditary; Hereditary Cancer Syndrome; Tumor predisposition. Identifiers: Orphanet 140162, MedGen C0027672, MeSH D009386, MONDO:0015356.
Tuberous sclerosis 2 (TSC2). Identifiers: Orphanet 805, MedGen C1860707, MONDO:0013199, OMIM 613254.

gnomAD v4.1: 1 of 1,613,376 alleles (0.000062%); highest among the groups gnomAD compares: Non-Finnish European, 0.000085%; no homozygotes.

Submissions (3):

Labcorp Genetics (formerly Invitae), Labcorp
Classification: Benign for Tuberous sclerosis 2. Last evaluated: 2025-08-11. Review status: criteria provided, single submitter. Criteria: Invitae Variant Classification Sherloc (09022015). Collection method: clinical testing. Allele origin: germline.

Ambry Genetics
Classification: Uncertain significance for Hereditary cancer-predisposing syndrome. Last evaluated: 2025-07-29. Review status: criteria provided, single submitter. Criteria: Ambry Variant Classification Scheme 2023. Collection method: clinical testing. Allele origin: germline.
Comment: The p.C644G variant (also known as c.1930T>G), located in coding exon 17 of the TSC2 gene, results from a T to G substitution at nucleotide position 1930. The cysteine at codon 644 is replaced by glycine, an amino acid with highly dissimilar properties. This variant was determined to be de novo in at least one individual with features consistent with tuberous sclerosis complex (Sudarshan S et al. BMC Med Genet, 2019 Oct;20:164). This amino acid position is highly conserved in available vertebrate species. In addition, this alteration is predicted to be deleterious by in silico analysis. Based on the available evidence, the clinical significance of this variant remains unclear.

GeneDx
Classification: Likely pathogenic. Last evaluated: 2024-04-22. Review status: criteria provided, single submitter. Criteria: GeneDx Variant Classification Process June 2021. Collection method: clinical testing. Allele origin: germline. Affected: yes.
Comment: Functional studies demonstrate a damaging effect, with reduction in activity of the TSC complex and significantly decreased TSC1 signal (PMID: 21520333); In silico analysis supports that this missense variant has a deleterious effect on protein structure/function; Not observed at significant frequency in large population cohorts (gnomAD); This variant is associated with the following publications: (PMID: 31655562, 21520333)

Literature cited by the submitters: PubMed 31655562 (cited by Ambry Genetics).